The following is an entry in ClinVar:

ClinVar aggregate classification (germline): Uncertain significance (1 of 4 stars; one submission).

Conditions:
Bardet-Biedl syndrome (BBS). Identifiers: Orphanet 110, MedGen C0752166, MONDO:0015229.

Submission:

Labcorp Genetics (formerly Invitae), Labcorp
Classification: Uncertain significance for Bardet-Biedl syndrome. Last evaluated: 2021-09-01. Review status: criteria provided, single submitter. Criteria: Invitae Variant Classification Sherloc (09022015). Collection method: clinical testing. Allele origin: germline.
Comment: This sequence change replaces isoleucine with valine at codon 306 of the BBS2 protein (p.Ile306Val). The isoleucine residue is highly conserved and there is a small physicochemical difference between isoleucine and valine. This variant is not present in population databases (ExAC no frequency). This variant has not been reported in the literature in individuals affected with BBS2-related conditions. Algorithms developed to predict the effect of missense changes on protein structure and function (SIFT, PolyPhen-2, Align-GVGD) all suggest that this variant is likely to be tolerated. In summary, the available evidence is currently insufficient to determine the role of this variant in disease. Therefore, it has been classified as a Variant of Uncertain Significance.

NM_031885.5(BBS2):c.916A>G (p.Ile306Val)

Gene: BBS2 (Bardet-Biedl syndrome 2; minus strand). Cytogenetic location: 16q13.
Variant type: single nucleotide variant.
Coding change: c.916A>G on transcript NM_031885.5 (MANE Select); coding-DNA position 916, A replaced by G.
Protein change: p.Ile306Val; replaces isoleucine 306 with valine.
Molecular consequence: missense variant. On other transcripts: non-coding transcript variant (5).
Genome position (GRCh38, 1-based): chr16:56,502,697, T>C on the plus strand (A>G on the coding strand, the complement: BBS2 is on the minus strand). VCF-style: chr16-56502697-T-C. GRCh37 (hg19) VCF-style: chr16-56536609-T-C.
Other names: c.916A>G, p.Ile306Val (NM_001377456.1); short protein forms I306V.
Identifiers: ClinVar variation 1022798 (VCV001022798.6), dbSNP rs1964310396, ClinGen allele CA395981191.